The following is an entry in ClinVar:

ClinVar aggregate classification (germline): Uncertain significance (1 of 4 stars; one submission).

Conditions:
Carnitine palmitoyl transferase 1A deficiency. Also called: CPT I DEFICIENCY; CPT DEFICIENCY, HEPATIC, TYPE I; CPT deficiency, hepatic, type IA; Carnitine palmitoyltransferase 1A deficiency; Carnitine palmitoyltransferase type I deficiency. Identifiers: Orphanet 156, MedGen C1829703, MONDO:0009705, OMIM 255120.

gnomAD v4.1: 5 of 1,613,964 alleles (0.00031%); highest among the groups gnomAD compares: Non-Finnish European, 0.00042%; no homozygotes.

Submission:

Labcorp Genetics (formerly Invitae), Labcorp
Classification: Uncertain significance for Carnitine palmitoyl transferase 1A deficiency. Last evaluated: 2021-08-16. Review status: criteria provided, single submitter. Criteria: Invitae Variant Classification Sherloc (09022015). Collection method: clinical testing. Allele origin: germline.
Comment: This sequence change replaces arginine with leucine at codon 563 of the CPT1A protein (p.Arg563Leu). The arginine residue is moderately conserved and there is a moderate physicochemical difference between arginine and leucine. This variant is not present in population databases (ExAC no frequency). This variant has not been reported in the literature in individuals with CPT1A-related disease. Algorithms developed to predict the effect of missense changes on protein structure and function are either unavailable or do not agree on the potential impact of this missense change (SIFT: "Tolerated"; PolyPhen-2: "Possibly Damaging"; Align-GVGD: "Class C0"). In summary, the available evidence is currently insufficient to determine the role of this variant in disease. Therefore, it has been classified as a Variant of Uncertain Significance.

NM_001876.4(CPT1A):c.1688G>T (p.Arg563Leu)

Gene: CPT1A (carnitine palmitoyltransferase 1A; minus strand). Cytogenetic location: 11q13.3.
Variant type: single nucleotide variant.
Coding change: c.1688G>T on transcript NM_001876.4 (MANE Select); coding-DNA position 1688, G replaced by T.
Protein change: p.Arg563Leu; replaces arginine 563 with leucine.
Molecular consequence: missense variant.
Genome position (GRCh38, 1-based): chr11:68,773,317, C>A on the plus strand (G>T on the coding strand, the complement: CPT1A is on the minus strand). VCF-style: chr11-68773317-C-A. GRCh37 (hg19) VCF-style: chr11-68540785-C-A.
Other names: c.1688G>T, p.Arg563Leu (NM_001031847.3); short protein forms R563L.
Identifiers: ClinVar variation 2140251 (VCV002140251.1), dbSNP rs773729150, ClinGen allele CA381628651.